The following is an entry in ClinVar:

ClinVar aggregate classification (germline): Uncertain significance (1 of 4 stars; one submission).

gnomAD v4.1: 2 of 541,752 alleles (0.00037%); highest among the groups gnomAD compares: Non-Finnish European, 0.00061%; no homozygotes.

Submission:

GeneDx
Classification: Uncertain significance. Last evaluated: 2024-05-24. Review status: criteria provided, single submitter. Criteria: GeneDx Variant Classification Process June 2021. Collection method: clinical testing. Allele origin: germline. Affected: yes.
Comment: Not observed at significant frequency in large population cohorts (gnomAD); In silico analysis indicates that this missense variant does not alter protein structure/function; Has not been previously published as pathogenic or benign to our knowledge

NM_001012614.2(CTBP1):c.1225G>T (p.Ala409Ser)

Genes: CTBP1 (C-terminal binding protein 1; minus strand), CTBP1-AS (CTBP1 antisense RNA; plus strand). Cytogenetic location: 4p16.3.
Variant type: single nucleotide variant.
Coding change: c.1225G>T on transcript NM_001012614.2 (MANE Select); coding-DNA position 1225, G replaced by T.
Protein change: p.Ala409Ser; replaces alanine 409 with serine.
Molecular consequence: missense variant. On other transcripts: non-coding transcript variant (1).
Genome position (GRCh38, 1-based): chr4:1,212,305, C>A on the plus strand (G>T on the coding strand, the complement: CTBP1 is on the minus strand). VCF-style: chr4-1212305-C-A. GRCh37 (hg19) VCF-style: chr4-1206093-C-A.
Other names: c.1258G>T, p.Ala420Ser (NM_001328.3); c.1261G>T, p.Ala421Ser (NM_001377186.1); c.1228G>T, p.Ala410Ser (NM_001377187.1, NM_001377188.1, NM_001377189.1 and 1 more transcripts); c.1225G>T, p.Ala409Ser (NM_001377191.1, NM_001377192.1, NM_001377193.1); short protein forms A409S, A410S, A420S, A421S.
Identifiers: ClinVar variation 3381708 (VCV003381708.1).